The following is an entry in ClinVar:

ClinVar aggregate classification (germline): Uncertain significance. Review status: criteria provided, multiple submitters, no conflicts (2 of 4 stars). 7 submissions from 7 submitters: Uncertain significance (7). Last evaluated 2025-02-26.

Conditions:
Inborn genetic diseases. Identifiers: MedGen C0950123, MeSH D030342.
Developmental and epileptic encephalopathy, 23 (DEE23). Also called: Epileptic encephalopathy, early infantile, 23. Identifiers: Orphanet 411986, MedGen C4014492, MONDO:0014371, OMIM 615859.

Allele frequency attached by ClinVar (database versions not stated): 1000 Genomes Project 30x 0.00016; ExAC 0.00016; gnomAD exomes 0.00018 and 0.00044; TOPMed 0.00020; ESP Exome Variant Server 0.00023; gnomAD 0.00024 and 0.00026.
gnomAD v4.1: 657 of 1,605,674 alleles (0.041%); highest among the groups gnomAD compares: Non-Finnish European, 0.054%; no homozygotes.

Submissions (7):

Ambry Genetics
Classification: Uncertain significance for Inborn genetic diseases. Last evaluated: 2025-02-26. Review status: criteria provided, single submitter. Criteria: Ambry Variant Classification Scheme 2023. Collection method: clinical testing. Allele origin: germline.

Blueprint Genetics
Classification: Uncertain significance. Last evaluated: 2024-11-13. Review status: criteria provided, single submitter. Criteria: ACMG Guidelines, 2015. Collection method: clinical testing. Allele origin: germline.

GeneDx
Classification: Uncertain significance. Last evaluated: 2024-10-31. Review status: criteria provided, single submitter. Criteria: GeneDx Variant Classification Process June 2021. Collection method: clinical testing. Allele origin: germline. Affected: yes.
Comment: In silico analysis indicates that this missense variant does not alter protein structure/function; Has not been previously published as pathogenic or benign to our knowledge

Labcorp Genetics (formerly Invitae), Labcorp
Classification: Uncertain significance for Developmental and epileptic encephalopathy, 23. Last evaluated: 2024-01-22. Review status: criteria provided, single submitter. Criteria: Invitae Variant Classification Sherloc (09022015). Collection method: clinical testing. Allele origin: germline.
Comment: This sequence change replaces serine, which is neutral and polar, with glycine, which is neutral and non-polar, at codon 970 of the DOCK7 protein (p.Ser970Gly). This variant is present in population databases (rs199681303, gnomAD 0.04%). This variant has not been reported in the literature in individuals affected with DOCK7-related conditions. ClinVar contains an entry for this variant (Variation ID: 434959). Advanced modeling of protein sequence and biophysical properties (such as structural, functional, and spatial information, amino acid conservation, physicochemical variation, residue mobility, and thermodynamic stability) performed at Invitae indicates that this missense variant is not expected to disrupt DOCK7 protein function with a negative predictive value of 80%. In summary, the available evidence is currently insufficient to determine the role of this variant in disease. Therefore, it has been classified as a Variant of Uncertain Significance.

Genome-Nilou Lab
Classification: Uncertain significance for Developmental and epileptic encephalopathy, 23. Last evaluated: 2023-04-11. Review status: criteria provided, single submitter. Criteria: ACMG Guidelines, 2015. Collection method: clinical testing. Allele origin: germline. Affected: no.

Fulgent Genetics
Classification: Uncertain significance for Developmental and epileptic encephalopathy, 23. Last evaluated: 2018-10-31. Review status: criteria provided, single submitter. Criteria: ACMG Guidelines, 2015. Collection method: clinical testing. Allele origin: unknown.

Genetic Services Laboratory, University of Chicago
Classification: Uncertain significance. Last evaluated: 2016-11-30. Review status: criteria provided, single submitter. Criteria: ACMG Guidelines, 2015. Collection method: clinical testing. Allele origin: germline. Affected: no.

NM_001367561.1(DOCK7):c.2908A>G (p.Ser970Gly)

Gene: DOCK7 (dedicator of cytokinesis 7; minus strand). Cytogenetic location: 1p31.3.
Variant type: single nucleotide variant.
Coding change: c.2908A>G on transcript NM_001367561.1 (MANE Select); coding-DNA position 2908, A replaced by G.
Protein change: p.Ser970Gly; replaces serine 970 with glycine.
Molecular consequence: missense variant.
Genome position (GRCh38, 1-based): chr1:62,543,697, T>C on the plus strand (A>G on the coding strand, the complement: DOCK7 is on the minus strand). VCF-style: chr1-62543697-T-C. GRCh37 (hg19) VCF-style: chr1-63009368-T-C.
Other names: c.2908A>G, p.Ser970Gly (NM_001271999.2, NM_001330614.2); c.2815A>G, p.Ser939Gly (NM_001272000.2, NM_001272001.2, NM_033407.4); c.2815A>G (NM_033407.2); short protein forms S939G, S970G.
Identifiers: ClinVar variation 434959 (VCV000434959.19), dbSNP rs199681303, ClinGen allele CA886140.
Genomic context (GRCh38, chr1:62,543,697, plus strand): 5'-TGTCTTCATATGAATCTACCTTTTTAGTTGGTAAGCGTCCCGTTAATGTTTGTAAGAAAC[T>C]TGACGTCTCTGTGTGCGAAGACATACGATTACAACTTCGATCCATAGCCTATGGAGTGAA-3'
Protein context (NP_001354490.1, residues 960-980): NRMSSHTETS[Ser970Gly]FLQTLTGRLP